The following is an entry in ClinVar:

ClinVar aggregate classification (germline): Uncertain significance (1 of 4 stars; one submission).

Submission:

GeneDx
Classification: Uncertain significance. Last evaluated: 2026-03-19. Review status: criteria provided, single submitter. Criteria: GeneDx Variant Classification Process June 2021. Collection method: clinical testing. Allele origin: germline.
Comment: Not observed at significant frequency in large population cohorts (gnomAD); In silico analysis supports that this missense variant has a deleterious effect on protein structure/function; Has not been previously published as pathogenic or benign to our knowledge

NM_031407.7(HUWE1):c.4589T>A (p.Ile1530Asn)

Gene: HUWE1 (HECT, UBA and WWE domain containing E3 ubiquitin protein ligase 1; minus strand). Cytogenetic location: Xp11.22.
Variant type: single nucleotide variant.
Coding change: c.4589T>A on transcript NM_031407.7 (MANE Select); coding-DNA position 4589, T replaced by A.
Protein change: p.Ile1530Asn; replaces isoleucine 1530 with asparagine.
Molecular consequence: missense variant.
Genome position (GRCh38, 1-based): chrX:53,588,407, A>T on the plus strand (T>A on the coding strand, the complement: HUWE1 is on the minus strand). VCF-style: chrX-53588407-A-T. GRCh37 (hg19) VCF-style: chrX-53615367-A-T.
Other names: c.4589T>A, p.Ile1530Asn (NM_001441048.1, NM_001441049.1, NM_001441051.1 and 6 more transcripts); c.4610T>A, p.Ile1537Asn (NM_001441050.1, NM_001441055.1); short protein forms I1537N, I1530N.
Identifiers: ClinVar variation 5009474 (VCV005009474.1).
Genomic context (GRCh38, chrX:53,588,407, plus strand): 5'-AATGAATTACAAGGCCCCAAAGATCTAAATCTTACCTCAAAAAGTAGCGTTAAAAGCAAG[A>T]TTCTAGTAGCCAAATTGGAGGCCTGGGGCAGTGTGGCCATCTGACTTATCCACTCTGACA-3'
Protein context (NP_113584.3, residues 1520-1540): LPQASNLATR[Ile1530Asn]LLLTLLFEEL